The following is an entry in ClinVar:

ClinVar aggregate classification (germline): Uncertain significance (1 of 4 stars; one submission).

Allele frequency attached by ClinVar (database versions not stated): gnomAD 0.00001; TOPMed 0.00001.
gnomAD v4.1: 3 of 1,613,344 alleles (0.00019%); highest among the groups gnomAD compares: East Asian, 0.0022%; no homozygotes.

Submission:

Laboratory for Molecular Medicine, Mass General Brigham Personalized Medicine
Classification: Uncertain significance. Last evaluated: 2014-05-08. Review status: criteria provided, single submitter. Criteria: LMM Criteria. Collection method: clinical testing. Allele origin: germline. Observed: 1 variant allele.
Comment: The Glu20541Lys variant in TTN has not been previously reported in individuals w ith cardiomyopathy and was absent from large population studies. Computational p rediction tools and conservation analyses do not provide strong support for or a gainst an impact to the normal function of the protein. In summary, additional i nformation is needed to fully assess the clinical significance of this variant.

NM_001267550.2(TTN):c.69325G>A (p.Glu23109Lys)

Genes: TTN (titin; minus strand), TTN-AS1 (TTN antisense RNA 1; plus strand). Cytogenetic location: 2q31.2.
Variant type: single nucleotide variant.
Coding change: c.69325G>A on transcript NM_001267550.2 (MANE Select); coding-DNA position 69325, G replaced by A.
Protein change: p.Glu23109Lys; replaces glutamic acid 23109 with lysine.
Molecular consequence: missense variant.
Genome position (GRCh38, 1-based): chr2:178,577,010, C>T on the plus strand (G>A on the coding strand, the complement: TTN is on the minus strand). VCF-style: chr2-178577010-C-T. GRCh37 (hg19) VCF-style: chr2-179441737-C-T.
Other names: c.61621G>A, p.Glu20541Lys (NM_133378.4); c.64402G>A, p.Glu21468Lys (NM_001256850.1); c.42130G>A, p.Glu14044Lys (NM_003319.4); c.42505G>A, p.Glu14169Lys (NM_133432.3); c.42706G>A, p.Glu14236Lys (NM_133437.4); short protein forms E20541K, E23109K, E14236K, E14044K, E21468K, E14169K.
Identifiers: ClinVar variation 165864 (VCV000165864.5), dbSNP rs727503571, ClinGen allele CA178546.
Genomic context (GRCh38, chr2:178,577,010, plus strand): 5'-CAGACTGTACAGGTTCTCCTTTGCCATAGTGGTTTACAGCTGAGACCCGGAAGATGTACT[C>T]ATTTCCTTGGATAAGTTTGGTTGCCACATGCCTGCAAGACTGAATATCTTCAGAAACCAC-3'
Protein context (NP_001254479.2, residues 23099-23119): HVATKLIQGN[Glu23109Lys]YIFRVSAVNH